The following is an entry in ClinVar:

NM_018263.6(ASXL2):c.2022TGCCGC[3] (p.Ala683_Ala684dup)

Gene: ASXL2 (ASXL transcriptional regulator 2; minus strand). Cytogenetic location: 2p23.3.
Variant type: Microsatellite.
Coding change: c.2022TGCCGC[3] on transcript NM_018263.6 (MANE Select); three copies in a row of the 6-base unit TGCCGC starting at c.2022; the reference has two copies in a row; one copy, 6 bases duplicated.
Protein change: p.Ala683_Ala684dup.
Molecular consequence: inframe insertion.
Genome position (GRCh38, 1-based): chr2:25,744,304-25,744,309, GCGGCA duplicated on the plus strand (TGCCGC on the coding strand, the reverse complement: ASXL2 is on the minus strand); duplicating any 6 consecutive bases within chr2:25,744,304-25,744,317 gives the same sequence; the position shown is the placement nearest the transcript's 3' end. VCF-style (leftmost placement, unchanged base first): chr2-25744303-G-GGCGGCA. GRCh37 (hg19) VCF-style: chr2-25967172-G-GGCGGCA.
Other names: c.2028_2033dupTGCCGC (NM_018263.4); c.1848TGCCGC[3], p.Ala625_Ala626dup (NM_001369346.1); c.1242TGCCGC[3], p.Ala423_Ala424dup (NM_001369347.1).
Identifiers: ClinVar variation 1006906 (VCV001006906.9), dbSNP rs1366633810, ClinGen allele CA531761067.

ClinVar aggregate classification (germline): Conflicting classifications of pathogenicity. Review status: criteria provided, conflicting classifications (1 of 4 stars). 2 submissions from 2 submitters: Uncertain significance (1); Likely benign (1). Last evaluated 2025-03-27.

Conditions:
Inborn genetic diseases. Identifiers: MedGen C0950123, MeSH D030342.

Submissions (2):

Labcorp Genetics (formerly Invitae), Labcorp
Classification: Uncertain significance. Last evaluated: 2025-03-27. Review status: criteria provided, single submitter. Criteria: Invitae Variant Classification Sherloc (09022015). Collection method: clinical testing. Allele origin: germline.
Comment: This variant, c.2028_2033dup, results in the insertion of 2 amino acid(s) of the ASXL2 protein (p.Ala683_Ala684dup), but otherwise preserves the integrity of the reading frame. This variant is present in population databases (no rsID available, gnomAD 0.003%). This variant has not been reported in the literature in individuals affected with ASXL2-related conditions. Experimental studies and prediction algorithms are not available or were not evaluated, and the functional significance of this variant is currently unknown. In summary, the available evidence is currently insufficient to determine the role of this variant in disease. Therefore, it has been classified as a Variant of Uncertain Significance.

Ambry Genetics
Classification: Likely benign for Inborn genetic diseases. Last evaluated: 2021-10-07. Review status: criteria provided, single submitter. Criteria: Ambry Variant Classification Scheme 2023. Collection method: clinical testing. Allele origin: germline.